The following is an entry in ClinVar:

NM_021729.6(VPS11):c.2384G>A (p.Arg795Gln)

Gene: VPS11 (VPS11 core subunit of CORVET and HOPS complexes; plus strand). Cytogenetic location: 11q23.3.
Variant type: single nucleotide variant.
Coding change: c.2384G>A on transcript NM_021729.6 (MANE Select); coding-DNA position 2384, G replaced by A.
Protein change: p.Arg795Gln; replaces arginine 795 with glutamine.
Molecular consequence: missense variant. On other transcripts: non-coding transcript variant (8).
Genome position (GRCh38, 1-based): chr11:119,079,246, G>A. VCF-style: chr11-119079246-G-A. GRCh37 (hg19) VCF-style: chr11-118949956-G-A.
Other names: c.2354G>A, p.Arg785Gln (NM_001290185.2); c.2396G>A, p.Arg799Gln (NM_001378218.1, NM_001378219.1); c.2369G>A, p.Arg790Gln (NM_001378220.1); c.2366G>A, p.Arg789Gln (NM_001378221.1); short protein forms R789Q, R795Q, R799Q, R785Q, R790Q.
Identifiers: ClinVar variation 1032882 (VCV001032882.5), dbSNP rs782494287, ClinGen allele CA6313694.
Genomic context (GRCh38, chr11:119,079,246, plus strand): 5'-TGGTCCAAAAACTACAGAAACAGAGCCAGCAGATTGCACAGGATGAGCTGCGGGTGCGGC[G>A]GTACCGAGAGGAGACCACCCGTATCCGCCAGGAGATCCAAGAGCTCAAGGCCAGGTACCC-3'
Protein context (NP_068375.3, residues 785-805): QIAQDELRVR[Arg795Gln]YREETTRIRQ

ClinVar aggregate classification (germline): Uncertain significance. Review status: criteria provided, multiple submitters, no conflicts (2 of 4 stars). 2 submissions from 2 submitters: Uncertain significance (2). Last evaluated 2024-02-24.

Conditions:
Leukodystrophy, hypomyelinating, 12. Identifiers: Orphanet 466934, MedGen C4225247, MONDO:0014732, OMIM 616683.

Allele frequency attached by ClinVar (database versions not stated): TOPMed below 0.00001; ExAC 0.00001; gnomAD exomes 0.00001 and 0.00002.
gnomAD v4.1: 8 of 1,607,410 alleles (0.0005%); highest among the groups gnomAD compares: Admixed American, 0.0051%; no homozygotes.

Submissions (2):

Labcorp Genetics (formerly Invitae), Labcorp
Classification: Uncertain significance. Last evaluated: 2024-02-24. Review status: criteria provided, single submitter. Criteria: Invitae Variant Classification Sherloc (09022015). Collection method: clinical testing. Allele origin: germline.
Comment: This sequence change replaces arginine, which is basic and polar, with glutamine, which is neutral and polar, at codon 795 of the VPS11 protein (p.Arg795Gln). This variant is present in population databases (rs782494287, gnomAD 0.009%). This variant has not been reported in the literature in individuals affected with VPS11-related conditions. ClinVar contains an entry for this variant (Variation ID: 1032882). Advanced modeling of protein sequence and biophysical properties (such as structural, functional, and spatial information, amino acid conservation, physicochemical variation, residue mobility, and thermodynamic stability) performed at Invitae indicates that this missense variant is not expected to disrupt VPS11 protein function with a negative predictive value of 80%. In summary, the available evidence is currently insufficient to determine the role of this variant in disease. Therefore, it has been classified as a Variant of Uncertain Significance.

Baylor Genetics
Classification: Uncertain significance for Leukodystrophy, hypomyelinating, 12. Last evaluated: 2018-10-01. Review status: criteria provided, single submitter. Criteria: ACMG Guidelines, 2015. Collection method: clinical testing. Allele origin: unknown. Affected: yes.
Comment: This variant was determined to be of uncertain significance according to ACMG Guidelines, 2015 [PMID:25741868].